The following is an entry in ClinVar:

NM_001040436.3(YARS2):c.107A>G (p.Gln36Arg)

Gene: YARS2 (tyrosyl-tRNA synthetase 2; minus strand). Cytogenetic location: 12p11.21.
Variant type: single nucleotide variant.
Coding change: c.107A>G on transcript NM_001040436.3 (MANE Select); coding-DNA position 107, A replaced by G.
Protein change: p.Gln36Arg; replaces glutamine 36 with arginine.
Molecular consequence: missense variant.
Genome position (GRCh38, 1-based): chr12:32,755,768, T>C on the plus strand (A>G on the coding strand, the complement: YARS2 is on the minus strand). VCF-style: chr12-32755768-T-C. GRCh37 (hg19) VCF-style: chr12-32908702-T-C.
Other names: short protein forms Q36R.
Identifiers: ClinVar variation 2084392 (VCV002084392.3), dbSNP rs746742931, ClinGen allele CA6508234.

ClinVar aggregate classification (germline): Uncertain significance. Review status: criteria provided, multiple submitters, no conflicts (2 of 4 stars). 2 submissions from 2 submitters: Uncertain significance (2). Last evaluated 2025-04-08.

Conditions:
Inborn genetic diseases. Identifiers: MedGen C0950123, MeSH D030342.

Allele frequency attached by ClinVar (database versions not stated): gnomAD 0.00001; gnomAD exomes 0.00002; ExAC 0.00004; TOPMed 0.00004.

Submissions (2):

Ambry Genetics
Classification: Uncertain significance for Inborn genetic diseases. Last evaluated: 2025-04-08. Review status: criteria provided, single submitter. Criteria: Ambry Variant Classification Scheme 2023. Collection method: clinical testing. Allele origin: germline.

Labcorp Genetics (formerly Invitae), Labcorp
Classification: Uncertain significance. Last evaluated: 2022-07-14. Review status: criteria provided, single submitter. Criteria: Invitae Variant Classification Sherloc (09022015). Collection method: clinical testing. Allele origin: germline.
Comment: This sequence change replaces glutamine, which is neutral and polar, with arginine, which is basic and polar, at codon 36 of the YARS2 protein (p.Gln36Arg). This variant is present in population databases (rs746742931, gnomAD 0.03%). This variant has not been reported in the literature in individuals affected with YARS2-related conditions. Advanced modeling of protein sequence and biophysical properties (such as structural, functional, and spatial information, amino acid conservation, physicochemical variation, residue mobility, and thermodynamic stability) performed at Invitae indicates that this missense variant is not expected to disrupt YARS2 protein function. In summary, the available evidence is currently insufficient to determine the role of this variant in disease. Therefore, it has been classified as a Variant of Uncertain Significance.